The following is an entry in ClinVar:

ClinVar aggregate classification (germline): Uncertain significance. Review status: criteria provided, multiple submitters, no conflicts (2 of 4 stars). 3 submissions from 3 submitters: Uncertain significance (3). Last evaluated 2024-09-11.

Conditions:
Inborn genetic diseases. Identifiers: MedGen C0950123, MeSH D030342.

Allele frequency attached by ClinVar (database versions not stated): 1000 Genomes Project 30x 0.00031.
gnomAD v4.1: 100 of 1,613,360 alleles (0.0062%); highest among the groups gnomAD compares: Non-Finnish European, 0.0081%; no homozygotes.

Submissions (3):

Ambry Genetics
Classification: Uncertain significance for Inborn genetic diseases. Last evaluated: 2024-09-11. Review status: criteria provided, single submitter. Criteria: Ambry Variant Classification Scheme 2023. Collection method: clinical testing. Allele origin: germline.

Labcorp Genetics (formerly Invitae), Labcorp
Classification: Uncertain significance. Last evaluated: 2022-08-12. Review status: criteria provided, single submitter. Criteria: Invitae Variant Classification Sherloc (09022015). Collection method: clinical testing. Allele origin: germline.
Comment: This sequence change replaces valine, which is neutral and non-polar, with methionine, which is neutral and non-polar, at codon 1003 of the TONSL protein (p.Val1003Met). This variant is present in population databases (rs546704493, gnomAD 0.004%). This variant has not been reported in the literature in individuals affected with TONSL-related conditions. ClinVar contains an entry for this variant (Variation ID: 1490782). Algorithms developed to predict the effect of missense changes on protein structure and function are either unavailable or do not agree on the potential impact of this missense change (SIFT: "Deleterious"; PolyPhen-2: "Probably Damaging"; Align-GVGD: "Class C0"). In summary, the available evidence is currently insufficient to determine the role of this variant in disease. Therefore, it has been classified as a Variant of Uncertain Significance.

Blueprint Genetics
Classification: Uncertain significance. Last evaluated: 2018-11-05. Review status: criteria provided, single submitter. Criteria: ACMG Guidelines, 2015. Collection method: clinical testing. Allele origin: germline.

NM_013432.5(TONSL):c.3007G>A (p.Val1003Met)

Gene: TONSL (tonsoku like, DNA repair protein; minus strand). Cytogenetic location: 8q24.3.
Variant type: single nucleotide variant.
Coding change: c.3007G>A on transcript NM_013432.5 (MANE Select); coding-DNA position 3007, G replaced by A.
Protein change: p.Val1003Met; replaces valine 1003 with methionine.
Molecular consequence: missense variant.
Genome position (GRCh38, 1-based): chr8:144,434,889, C>T on the plus strand (G>A on the coding strand, the complement: TONSL is on the minus strand). VCF-style: chr8-144434889-C-T. GRCh37 (hg19) VCF-style: chr8-145660272-C-T.
Other names: c.3007G>A (NM_013432.4); short protein forms V1003M.
Identifiers: ClinVar variation 1490782 (VCV001490782.7), dbSNP rs546704493, ClinGen allele CA4942630.